The following is an entry in ClinVar:

ClinVar aggregate classification (germline): Uncertain significance (1 of 4 stars; one submission).

Conditions:
NR0B2-related disorder. Also called: NR0B2-related condition.

gnomAD v4.1: 76 of 1,507,700 alleles (0.005%); highest among the groups gnomAD compares: Non-Finnish European, 0.0059%; no homozygotes.

Submission:

PreventionGenetics, part of Exact Sciences
Classification: Uncertain significance for NR0B2-related condition. Last evaluated: 2025-10-28. Review status: criteria provided, single submitter. Criteria: ACMG Guidelines, 2015. Collection method: clinical testing. Allele origin: germline.
Comment: The NR0B2 c.107G>A variant is predicted to result in the amino acid substitution p.Arg36His. To our knowledge, this variant has not been reported in the literature. An alternate missense change at the same amino acid position (c.106C>T, p.Arg36Cys) was described in a cohort of severe early-onset obesity; however, no other information about the individual or family segregation was described (Hung et al. 2003. PubMed ID: 12716767). This variant is reported in 0.0092% of alleles in individuals of Latino descent in gnomAD. At this time, the clinical significance of this variant is uncertain due to the absence of conclusive functional and genetic evidence.

NM_021969.3(NR0B2):c.107G>A (p.Arg36His)

Genes: NR0B2 (nuclear receptor subfamily 0 group B member 2; minus strand), NUDC (nuclear distribution C, dynein complex regulator; plus strand). Cytogenetic location: 1p36.11.
Variant type: single nucleotide variant.
Coding change: c.107G>A on transcript NM_021969.3 (MANE Select); coding-DNA position 107, G replaced by A.
Protein change: p.Arg36His; replaces arginine 36 with histidine.
Molecular consequence: missense variant.
Genome position (GRCh38, 1-based): chr1:26,913,834, C>T on the plus strand (G>A on the coding strand, the complement: NR0B2 is on the minus strand). VCF-style: chr1-26913834-C-T. GRCh37 (hg19) VCF-style: chr1-27240325-C-T.
Other names: short protein forms R36H.
Identifiers: ClinVar variation 4981168 (VCV004981168.1).